The following is an entry in ClinVar:

NM_003846.3(PEX11B):c.338G>A (p.Arg113His)

Gene: PEX11B (peroxisomal biogenesis factor 11 beta; minus strand). Cytogenetic location: 1q21.1.
Variant type: single nucleotide variant.
Coding change: c.338G>A on transcript NM_003846.3 (MANE Select); coding-DNA position 338, G replaced by A.
Protein change: p.Arg113His; replaces arginine 113 with histidine.
Molecular consequence: missense variant. On other transcripts: non-coding transcript variant (3).
Genome position (GRCh38, 1-based): chr1:145,916,853, C>T on the plus strand (G>A on the coding strand, the complement: PEX11B is on the minus strand). VCF-style: chr1-145916853-C-T. GRCh37 (hg19) VCF-style: chr1-145518236-G-A.
Other names: c.296G>A, p.Arg99His (NM_001184795.1); short protein forms R113H, R99H.
Identifiers: ClinVar variation 2114526 (VCV002114526.5), dbSNP rs1553753971, ClinGen allele CA342123175.

ClinVar aggregate classification (germline): Conflicting classifications of pathogenicity. Review status: criteria provided, conflicting classifications (1 of 4 stars). 2 submissions from 2 submitters: Uncertain significance (1); Likely benign (1). Last evaluated 2024-09-20.

Conditions:
Radial aplasia-thrombocytopenia syndrome (TAR). Also called: Thrombocytopenia Absent Radius Syndrome; TAR syndrome. Identifiers: Orphanet 3320, MedGen C0175703, MeSH C536940, MONDO:0010121, OMIM 274000.
Peroxisome biogenesis disorder 14B (PEX14B). Identifiers: Orphanet 44, MedGen C3554055, MONDO:0013967, OMIM 614920.

Allele frequency attached by ClinVar (database versions not stated): gnomAD exomes below 0.00001; TOPMed below 0.00001; gnomAD 0.00001.

Submissions (2):

3billion
Classification: Likely benign for Radial aplasia-thrombocytopenia syndrome; Peroxisome biogenesis disorder 14B. Last evaluated: 2024-09-20. Review status: criteria provided, single submitter. Criteria: ACMG Guidelines, 2015. Collection method: clinical testing. Allele origin: germline. Affected: no.
Comment: The homozygous variant was found in patients diagnosed with another variant in a different gene, with no symptoms related to the gene containing the homozygous variant.

Labcorp Genetics (formerly Invitae), Labcorp
Classification: Uncertain significance. Last evaluated: 2022-03-19. Review status: criteria provided, single submitter. Criteria: Invitae Variant Classification Sherloc (09022015). Collection method: clinical testing. Allele origin: germline.
Comment: In summary, the available evidence is currently insufficient to determine the role of this variant in disease. Therefore, it has been classified as a Variant of Uncertain Significance. Algorithms developed to predict the effect of missense changes on protein structure and function output the following: SIFT: "Deleterious"; PolyPhen-2: "Benign"; Align-GVGD: "Class C0". The histidine amino acid residue is found in multiple mammalian species, which suggests that this missense change does not adversely affect protein function. This variant has not been reported in the literature in individuals affected with PEX11B-related conditions. This variant is present in population databases (no rsID available, gnomAD 0.007%). This sequence change replaces arginine, which is basic and polar, with histidine, which is basic and polar, at codon 113 of the PEX11B protein (p.Arg113His).